The following is an entry in ClinVar:

ClinVar aggregate classification (germline): Benign/Likely benign. Review status: criteria provided, multiple submitters, no conflicts (2 of 4 stars). 7 submissions from 7 submitters: Benign (3); Likely benign (4). Last evaluated 2026-05-01.

Allele frequency attached by ClinVar (database versions not stated): gnomAD exomes 0.00055; ExAC 0.00078; 1000 Genomes Project 30x 0.00203; 1000 Genomes Project 0.00220; gnomAD 0.00241 and 0.00264; TOPMed 0.00279; ESP Exome Variant Server 0.00292.
gnomAD v4.1: 706 of 1,613,940 alleles (0.044%); highest among the groups gnomAD compares: African/African-American, 0.82%; 3 homozygotes.

Submissions (7):

CeGaT Center for Human Genetics Tuebingen
Classification: Likely benign. Last evaluated: 2026-05-01. Review status: criteria provided, single submitter. Criteria: CeGaT Center For Human Genetics Tuebingen Variant Classification Criteria Version 2. Collection method: clinical testing. Allele origin: germline. Affected: yes. Observed: 3 variant alleles.
Comment: COX15: BP4, BP7

Labcorp Genetics (formerly Invitae), Labcorp
Classification: Benign. Last evaluated: 2026-01-28. Review status: criteria provided, single submitter. Criteria: Invitae Variant Classification Sherloc (09022015). Collection method: clinical testing. Allele origin: germline.

Blueprint Genetics
Classification: Likely benign. Last evaluated: 2024-11-05. Review status: criteria provided, single submitter. Criteria: ACMG Guidelines, 2015. Collection method: clinical testing. Allele origin: germline.

GeneDx
Classification: Likely benign. Last evaluated: 2020-10-04. Review status: criteria provided, single submitter. Criteria: GeneDx Variant Classification Process June 2021. Collection method: clinical testing. Allele origin: germline. Affected: yes.

ARUP Laboratories, Molecular Genetics and Genomics, ARUP Laboratories
Classification: Benign. Last evaluated: 2017-11-21. Review status: criteria provided, single submitter. Criteria: ARUP Molecular Germline Variant Investigation Process. Collection method: clinical testing. Allele origin: germline.

Eurofins Ntd Llc (ga)
Classification: Benign. Last evaluated: 2015-02-12. Review status: criteria provided, single submitter. Criteria: EGL Classification Definitions 2015. Collection method: clinical testing. Allele origin: germline. Observed: 1 variant allele, 1 heterozygote.

Breakthrough Genomics
Classification: Likely benign. Review status: criteria provided, single submitter. Criteria: ACMG Guidelines, 2015. Collection method: not provided. Allele origin: germline. Inheritance: Autosomal recessive inheritance. Affected: yes.

NM_078470.6(COX15):c.1026C>T (p.Phe342=)

Gene: COX15 (cytochrome c oxidase assembly factor COX15; minus strand). Cytogenetic location: 10q24.2.
Variant type: single nucleotide variant.
Coding change: c.1026C>T on transcript NM_078470.6 (MANE Select); coding-DNA position 1026, C replaced by T.
Protein change: p.Phe342=; no amino-acid change (phenylalanine 342 retained).
Molecular consequence: synonymous variant. On other transcripts: missense variant (2), non-coding transcript variant (1).
Genome position (GRCh38, 1-based): chr10:99,716,423, G>A on the plus strand (C>T on the coding strand, the complement: COX15 is on the minus strand). VCF-style: chr10-99716423-G-A. GRCh37 (hg19) VCF-style: chr10-101476180-G-A.
Other names: p.F342F:TTC>TTT; c.1026C>T, p.Phe342= (NM_001320974.2, NM_001372024.1, NM_001372027.1 and 1 more transcripts); c.871C>T, p.Pro291Ser (NM_001320975.2, NM_001372028.1); c.489C>T, p.Phe163= (NM_001320976.2); c.1044C>T, p.Phe348= (NM_001372025.1); c.999C>T, p.Phe333= (NM_001372026.1); short protein forms P291S.
Identifiers: ClinVar variation 198794 (VCV000198794.42), dbSNP rs147724430, ClinGen allele CA303063.
Genomic context (GRCh38, chr10:99,716,423, plus strand): 5'-AGCCAGCAGAGTCACTGCTGCCATCTTGGTCCTTCTAGGAAGGGGAATTCTCCGAGAGAG[G>A]AAGTAGAGCACTGTAATGGCAGTGACTGAAGTGATTCCCTGCAGGGAAGAAAGAGTCTAT-3'
Protein context (NP_510870.1, residues 332-352): TSVTAITVLY[Phe342=]LSRRIPLPRR